The following is an entry in ClinVar:

ClinVar aggregate classification (germline): Uncertain significance (1 of 4 stars; one submission).

gnomAD v4.1: 1 of 1,211,580 alleles (0.000083%); highest among the groups gnomAD compares: Non-Finnish European, 0.00011%; no homozygotes.

Submission:

Labcorp Genetics (formerly Invitae), Labcorp
Classification: Uncertain significance. Last evaluated: 2025-06-18. Review status: criteria provided, single submitter. Criteria: Invitae Variant Classification Sherloc (09022015). Collection method: clinical testing. Allele origin: germline.
Comment: This sequence change replaces tyrosine, which is neutral and polar, with cysteine, which is neutral and slightly polar, at codon 1641 of the COL4A5 protein (p.Tyr1641Cys). This variant is not present in population databases (gnomAD no frequency). This variant has not been reported in the literature in individuals affected with COL4A5-related conditions. ClinVar contains an entry for this variant (Variation ID: 1484047). Invitae Evidence Modeling of protein sequence and biophysical properties (such as structural, functional, and spatial information, amino acid conservation, physicochemical variation, residue mobility, and thermodynamic stability) indicates that this missense variant is expected to disrupt COL4A5 protein function with a positive predictive value of 95%. In summary, the available evidence is currently insufficient to determine the role of this variant in disease. Therefore, it has been classified as a Variant of Uncertain Significance.

NM_033380.3(COL4A5):c.4940A>G (p.Tyr1647Cys)

Gene: COL4A5 (collagen type IV alpha 5 chain; plus strand). Cytogenetic location: Xq22.3.
Variant type: single nucleotide variant.
Coding change: c.4940A>G on transcript NM_033380.3 (MANE Select); coding-DNA position 4940, A replaced by G.
Protein change: p.Tyr1647Cys; replaces tyrosine 1647 with cysteine.
Molecular consequence: missense variant.
Genome position (GRCh38, 1-based): chrX:108,695,385, A>G. VCF-style: chrX-108695385-A-G. GRCh37 (hg19) VCF-style: chrX-107938615-A-G.
Other names: c.4922A>G, p.Tyr1641Cys (NM_000495.5); short protein forms Y1647C, Y1641C.
Identifiers: ClinVar variation 1484047 (VCV001484047.6), dbSNP rs2148002477, ClinGen allele CA414132892.